The following is an entry in ClinVar:

ClinVar aggregate classification (germline): Uncertain significance. Review status: criteria provided, multiple submitters, no conflicts (2 of 4 stars). 3 submissions from 3 submitters: Uncertain significance (3). Last evaluated 2026-02-12.

Conditions:
Hyperimmunoglobulin D with periodic fever (HIDS). Also called: HYPERIMMUNOGLOBULINEMIA D AND PERIODIC FEVER SYNDROME; Hyperimmunoglobulinemia D with periodic fever; Hyperimmunoglobulinemia D. Identifiers: Orphanet 343, MedGen C0398691, MONDO:0009849, OMIM 260920.
Mevalonic aciduria (MEVA). Identifiers: Orphanet 29, MedGen C1959626, MONDO:0012481, OMIM 610377.
Porokeratosis 3, disseminated superficial actinic type (POROK3). Also called: POROKERATOSIS, DISSEMINATED SUPERFICIAL ACTINIC, 1; POROKERATOSIS 3, MULTIPLE TYPES; POROKERATOSIS 3, MIBELLI TYPE. Identifiers: MedGen C1867981, MONDO:0008293, OMIM 175900.

Allele frequency attached by ClinVar (database versions not stated): ExAC 0.00001; gnomAD exomes 0.00001; gnomAD 0.00003 and 0.00004; TOPMed 0.00005.
gnomAD v4.1: 38 of 1,614,086 alleles (0.0024%); highest among the groups gnomAD compares: African/African-American, 0.0053%; no homozygotes.

Submissions (3):

Women's Health and Genetics/Laboratory Corporation of America, LabCorp
Classification: Uncertain significance. Last evaluated: 2026-02-12. Review status: criteria provided, single submitter. Criteria: LabCorp Variant Classification Summary - May 2015. Collection method: clinical testing. Allele origin: germline.
Comment: Variant summary: MVK c.449C>T (p.Ser150Leu) results in a non-conservative amino acid change in the encoded protein sequence. Algorithms developed to predict the effect of missense changes on protein structure and function all suggest that this variant is likely to be disruptive. The variant allele was found at a frequency of 8e-06 in 251352 control chromosomes. c.449C>T has been observed in individuals affected with Hyperimmunoglobulin D with periodic fever (Cuisset_2001). These data indicate that the variant may be associated with disease. To our knowledge, no experimental evidence demonstrating an impact on protein function has been reported. The following publication have been ascertained in the context of this evaluation (PMID: 11313769). ClinVar contains an entry for this variant (Variation ID: 939587). Based on the evidence outlined above, the variant was classified as VUS-possibly pathogenic.

Labcorp Genetics (formerly Invitae), Labcorp
Classification: Uncertain significance for Mevalonic aciduria; Hyperimmunoglobulin D with periodic fever; Porokeratosis 3, disseminated superficial actinic type. Last evaluated: 2025-09-10. Review status: criteria provided, single submitter. Criteria: Invitae Variant Classification Sherloc (09022015). Collection method: clinical testing. Allele origin: germline.
Comment: This sequence change replaces serine, which is neutral and polar, with leucine, which is neutral and non-polar, at codon 150 of the MVK protein (p.Ser150Leu). This variant is present in population databases (rs747116992, gnomAD 0.004%). This missense change has been observed in individual(s) with mevalonate kinase deficiency (PMID: 11313769, 16835861). ClinVar contains an entry for this variant (Variation ID: 939587). Invitae Evidence Modeling of protein sequence and biophysical properties (such as structural, functional, and spatial information, amino acid conservation, physicochemical variation, residue mobility, and thermodynamic stability) has been performed for this missense variant. However, the output from this modeling did not meet the statistical confidence thresholds required to predict the impact of this variant on MVK protein function. Experimental studies are conflicting or provide insufficient evidence to determine the effect of this variant on MVK function (PMID: 11313769). In summary, the available evidence is currently insufficient to determine the role of this variant in disease. Therefore, it has been classified as a Variant of Uncertain Significance.

Blueprint Genetics
Classification: Uncertain significance. Last evaluated: 2022-11-15. Review status: criteria provided, single submitter. Criteria: ACMG Guidelines, 2015. Collection method: clinical testing. Allele origin: germline.

Literature cited by the submitters: PubMed 11313769 (cited by Women's Health and Genetics/Laboratory Corporation of America, LabCorp and Labcorp Genetics (formerly Invitae), Labcorp); PubMed 16835861 (cited by Labcorp Genetics (formerly Invitae), Labcorp).

NM_000431.4(MVK):c.449C>T (p.Ser150Leu)

Gene: MVK (mevalonate kinase; plus strand). Cytogenetic location: 12q24.11.
Variant type: single nucleotide variant.
Coding change: c.449C>T on transcript NM_000431.4 (MANE Select); coding-DNA position 449, C replaced by T.
Protein change: p.Ser150Leu; replaces serine 150 with leucine.
Molecular consequence: missense variant. On other transcripts: intron variant (1).
Genome position (GRCh38, 1-based): chr12:109,581,472, C>T. VCF-style: chr12-109581472-C-T. GRCh37 (hg19) VCF-style: chr12-110019277-C-T.
Other names: c.449C>T, p.Ser150Leu (NM_001114185.3); c.371+1526C>T (NM_001301182.2); short protein forms S150L.
Identifiers: ClinVar variation 939587 (VCV000939587.8), dbSNP rs747116992, ClinGen allele CA6779260.